The following is an entry in ClinVar:

NM_001396959.1(TBC1D1):c.2673T>C (p.Val891=)

Gene: TBC1D1 (TBC1 domain family member 1; plus strand). Cytogenetic location: 4p14.
Variant type: single nucleotide variant.
Coding change: c.2673T>C on transcript NM_001396959.1 (MANE Select); coding-DNA position 2673, T replaced by C.
Protein change: p.Val891=; no amino-acid change (valine 891 retained).
Molecular consequence: synonymous variant.
Genome position (GRCh38, 1-based): chr4:38,096,083, T>C. VCF-style: chr4-38096083-T-C. GRCh37 (hg19) VCF-style: chr4-38097704-T-C.
Other names: c.2673T>C, p.Val891= (NM_001253912.2); c.2391T>C, p.Val797= (NM_015173.4).
Identifiers: ClinVar variation 3051143 (VCV003051143.3), dbSNP rs149645940, ClinGen allele CA2888069.
Genomic context (GRCh38, chr4:38,096,083, plus strand): 5'-GCTTAGCACTCCAGGAAGATCAAAAATTAAGTTTGACATGGAAAAAATGCACTCGGCTGT[T>C]GGGCAAGGTAAGCTTCATTGGGAAGCATCTAGTCAACCTCACCCCTCATTGGTGATTGGG-3'
Protein context (NP_001383888.1, residues 881-901): KFDMEKMHSA[Val891=]GQGVPRHHRG

ClinVar aggregate classification (germline): Likely benign. Review status: criteria provided, single submitter (1 of 4 stars). 2 submissions from 2 submitters: Likely benign (1). 1 of the submissions does not count toward it. Last evaluated 2025-02-16.

Conditions:
TBC1D1-related disorder. Also called: TBC1D1-related condition.

Allele frequency attached by ClinVar (database versions not stated): gnomAD 0.00042; 1000 Genomes Project 30x 0.00047; 1000 Genomes Project 0.00060; TOPMed 0.00060; gnomAD exomes 0.00069; ESP Exome Variant Server 0.00038; ExAC 0.00042.
gnomAD v4.1: 1,059 of 1,613,156 alleles (0.066%); highest among the groups gnomAD compares: Non-Finnish European, 0.082%; 1 homozygote.

Submissions (2):

Laboratory of Genetics, Children's Clinical University Hospital Latvia
Classification: Likely benign. Last evaluated: 2025-02-16. Review status: criteria provided, single submitter. Criteria: ACMG Guidelines, 2015. Collection method: clinical testing. Allele origin: germline. Affected: yes.

PreventionGenetics, part of Exact Sciences
Classification: Likely benign for TBC1D1-related condition. Last evaluated: 2020-02-24. Review status: no assertion criteria provided. Collection method: clinical testing. Allele origin: germline. Not counted in ClinVar's aggregate classification.
Comment: This variant is classified as likely benign based on ACMG/AMP sequence variant interpretation guidelines (Richards et al. 2015 PMID: 25741868, with internal and published modifications).